The following is an entry in ClinVar:

ClinVar aggregate classification (germline): Uncertain significance (1 of 4 stars; one submission).

Conditions:
Inborn genetic diseases. Identifiers: MedGen C0950123, MeSH D030342.

Allele frequency attached by ClinVar (database versions not stated): gnomAD exomes 0.00001.

Submission:

Ambry Genetics
Classification: Uncertain significance for Inborn genetic diseases. Last evaluated: 2022-03-20. Review status: criteria provided, single submitter. Criteria: Ambry Variant Classification Scheme 2023. Collection method: clinical testing. Allele origin: germline.
Comment: The p.E496V variant (also known as c.1487A>T), located in coding exon 13 of the UBA1 gene, results from an A to T substitution at nucleotide position 1487. The glutamic acid at codon 496 is replaced by valine, an amino acid with dissimilar properties. This amino acid position is conserved. In addition, this alteration is predicted to be tolerated by in silico analysis. Since supporting evidence is limited at this time, the clinical significance of this alteration remains unclear.

NM_003334.4(UBA1):c.1487A>T (p.Glu496Val)

Gene: UBA1 (ubiquitin like modifier activating enzyme 1; plus strand). Cytogenetic location: Xp11.3.
Variant type: single nucleotide variant.
Coding change: c.1487A>T on transcript NM_003334.4 (MANE Select); coding-DNA position 1487, A replaced by T.
Protein change: p.Glu496Val; replaces glutamic acid 496 with valine.
Molecular consequence: missense variant.
Genome position (GRCh38, 1-based): chrX:47,203,608, A>T. VCF-style: chrX-47203608-A-T. GRCh37 (hg19) VCF-style: chrX-47063007-A-T.
Other names: c.1487A>T, p.Glu496Val (NM_153280.3); short protein forms E496V.
Identifiers: ClinVar variation 1773686 (VCV001773686.2), dbSNP rs1936507845, ClinGen allele CA412798569.
Genomic context (GRCh38, chrX:47,203,608, plus strand): 5'-CGGGGGCCATTGGCTGTGAGCTGCTCAAGAACTTTGCCATGATTGGGCTGGGCTGCGGGG[A>T]GGGTGGAGAAATCATCGTTACAGACATGGACACCATTGAGAAGTCAAATCTGAATCGACA-3'
Protein context (NP_003325.2, residues 486-506): NFAMIGLGCG[Glu496Val]GGEIIVTDMD